The following is an entry in ClinVar:

NM_003072.5(SMARCA4):c.3435C>G (p.Pro1145=)

Gene: SMARCA4 (SWI/SNF related BAF chromatin remodeling complex subunit ATPase 4; plus strand). Cytogenetic location: 19p13.2.
Variant type: single nucleotide variant.
Coding change: c.3435C>G on transcript NM_003072.5 (MANE Select); coding-DNA position 3435, C replaced by G.
Protein change: p.Pro1145=; no amino-acid change (proline 1145 retained).
Molecular consequence: synonymous variant. On other transcripts: non-coding transcript variant (1).
Genome position (GRCh38, 1-based): chr19:11,030,782, C>G. VCF-style: chr19-11030782-C-G. GRCh37 (hg19) VCF-style: chr19-11141458-C-G.
Other names: c.3435C>G, p.Pro1145= (NM_001128844.3, NM_001128845.2, NM_001128846.2 and 6 more transcripts).
Identifiers: ClinVar variation 1731406 (VCV001731406.3), dbSNP rs138764713, ClinGen allele CA505492071.

ClinVar aggregate classification (germline): Benign/Likely benign. Review status: criteria provided, multiple submitters, no conflicts (2 of 4 stars). 2 submissions from 2 submitters: Benign (1); Likely benign (1). Last evaluated 2026-07-14.

Conditions:
Rhabdoid tumor predisposition syndrome 2 (RTPS2). Identifiers: Orphanet 231108, Orphanet 69077, MedGen C2750074, MONDO:0013224, OMIM 613325.
Hereditary cancer-predisposing syndrome. Also called: Hereditary neoplastic syndrome; Neoplastic Syndromes, Hereditary; Tumor predisposition; Hereditary Cancer Syndrome. Identifiers: Orphanet 140162, MedGen C0027672, MeSH D009386, MONDO:0015356.

gnomAD v4.1: 2 of 1,610,304 alleles (0.00012%); highest among the groups gnomAD compares: Non-Finnish European, 0.00017%; no homozygotes.

Submissions (2):

Myriad Genetics, Inc.
Classification: Benign for Rhabdoid tumor predisposition syndrome 2. Last evaluated: 2026-07-14. Review status: criteria provided, single submitter. Criteria: Myriad Autosomal Dominant, Autosomal Recessive and X-Linked Classification Criteria (2023). Collection method: clinical testing. Allele origin: unknown.
Comment: This variant is considered benign. This variant is a silent/synonymous amino acid change and it is not expected to impact splicing.

Ambry Genetics
Classification: Likely benign for Hereditary cancer-predisposing syndrome. Last evaluated: 2020-10-20. Review status: criteria provided, single submitter. Criteria: Ambry Variant Classification Scheme 2023. Collection method: clinical testing. Allele origin: germline.